The following is an entry in ClinVar:

NM_000518.5(HBB):c.241A>T (p.Asn81Tyr)

Genes: HBB (hemoglobin subunit beta; minus strand), LOC106099062 (HBB recombination region; plus strand), LOC107133510 (origin of replication at HBB; plus strand). Cytogenetic location: 11p15.4.
Variant type: single nucleotide variant.
Coding change: c.241A>T on transcript NM_000518.5 (MANE Select); coding-DNA position 241, A replaced by T.
Protein change: p.Asn81Tyr; replaces asparagine 81 with tyrosine.
Molecular consequence: missense variant.
Genome position (GRCh38, 1-based): chr11:5,226,651, T>A on the plus strand (A>T on the coding strand, the complement: HBB is on the minus strand). VCF-style: chr11-5226651-T-A. GRCh37 (hg19) VCF-style: chr11-5247881-T-A.
Other names: short protein forms N81Y.
Identifiers: ClinVar variation 1217240 (VCV001217240.2), dbSNP rs63750519, ClinGen allele CA217113828.

ClinVar aggregate classification (germline): Uncertain significance. Review status: criteria provided, single submitter (1 of 4 stars). 2 submissions from 2 submitters: Uncertain significance (1). 1 of the submissions does not count toward it. Last evaluated 2021-08-12.

Conditions:
beta Thalassemia (BTHAL). Also called: Cooley's anemia; Erythroblastic anemia; Mediterranean anemia. Identifiers: Orphanet 848, MedGen C0005283, MONDO:0019402. Disease mechanism: loss of function.

Submissions (2):

Women's Health and Genetics/Laboratory Corporation of America, LabCorp
Classification: Uncertain significance. Last evaluated: 2021-08-12. Review status: criteria provided, single submitter. Criteria: LabCorp Variant Classification Summary - May 2015. Collection method: clinical testing. Allele origin: germline.
Comment: Variant summary: HBB c.241A>T (p.Asn81Tyr) also known as Hb Hounslow, results in a non-conservative amino acid change located in the Globin domain (IPR000971) of the encoded protein sequence. Four of five in-silico tools predict a damaging effect of the variant on protein function. The variant was absent in 251440 control chromosomes. The available data on variant occurrences in the general population are insufficient to allow any conclusion about variant significance. It was reported as a "silent" variant without any hematological consequences. Neutral variants described as clinically silent have minimal hematological consequences in the heterozygous state but the possibility of interaction when inherited in compound heterozygosity with a thalassemia trait or with a sickle cell trait cannot be ruled out. Therefore, this report does not provide unequivocal conclusions about association of the variant with Hemoglobinopathy. To our knowledge, no experimental evidence demonstrating an impact on protein function has been reported. No clinical diagnostic laboratories have submitted clinical-significance assessments for this variant to ClinVar after 2014. Based on the evidence outlined above, the variant was classified as uncertain significance.

Natera, Inc.
Classification: Uncertain significance for Beta thalassemia. Last evaluated: 2019-09-30. Review status: no assertion criteria provided. Collection method: clinical testing. Allele origin: germline. Not counted in ClinVar's aggregate classification.

Literature cited by the submitters: PubMed 28433609 (cited by Women's Health and Genetics/Laboratory Corporation of America, LabCorp).